The following is an entry in ClinVar:

NM_001099922.3(ALG13):c.2754ACC[7] (p.Pro938_Pro945del)

Gene: ALG13 (ALG13 UDP-N-acetylglucosaminyltransferase subunit; plus strand). Cytogenetic location: Xq23.
Variant type: Microsatellite.
Coding change: c.2754ACC[7] on transcript NM_001099922.3 (MANE Select); seven copies in a row of the 3-base unit ACC starting at c.2754; the reference has 15 copies in a row; eight copies, 24 bases deleted.
Protein change: p.Pro938_Pro945del.
Molecular consequence: inframe deletion. On other transcripts: intron variant (5).
Genome position (GRCh38, 1-based): chrX:111,744,747-111,744,770, ACCACCACCACCACCACCACCACC deleted; deleting any 24 consecutive bases within chrX:111,744,726-111,744,770 gives the same sequence; the position shown is the placement nearest the transcript's 3' end. VCF-style (leftmost placement, unchanged base first): chrX-111744725-TACCACCACCACCACCACCACCACC-T. GRCh37 (hg19) VCF-style: chrX-110987953-TACCACCACCACCACCACCACCACC-T.
Other names: c.2520ACC[7], p.Pro860_Pro867del (NM_001257231.2); c.2383+7847ACC[7] (NM_001257237.2, NM_001257234.2, NM_001257230.2); c.2209+7847ACC[7] (NM_001324293.1); c.2695+7847ACC[7] (NM_001324292.2).
Identifiers: ClinVar variation 1506987 (VCV001506987.5), dbSNP rs750710267, ClinGen allele CA870050802.

ClinVar aggregate classification (germline): Uncertain significance (1 of 4 stars; one submission).

Conditions:
Developmental and epileptic encephalopathy, 36 (DEE36). Also called: Epileptic encephalopathy, early infantile, 36; Congenital disorder of glycosylation, type Is; ALG13-CDG. Identifiers: Orphanet 324422, MedGen C4317295, MONDO:0010472, OMIM 300884.

Submission:

Labcorp Genetics (formerly Invitae), Labcorp
Classification: Uncertain significance for Developmental and epileptic encephalopathy, 36. Last evaluated: 2025-08-29. Review status: criteria provided, single submitter. Criteria: Invitae Variant Classification Sherloc (09022015). Collection method: clinical testing. Allele origin: germline.
Comment: This variant, c.2775_2798del, results in the deletion of 8 amino acid(s) of the ALG13 protein (p.Pro938_Pro945del), but otherwise preserves the integrity of the reading frame. This variant is not present in population databases (gnomAD no frequency). This variant has not been reported in the literature in individuals affected with ALG13-related conditions. Experimental studies and prediction algorithms are not available or were not evaluated, and the functional significance of this variant is currently unknown. In summary, the available evidence is currently insufficient to determine the role of this variant in disease. Therefore, it has been classified as a Variant of Uncertain Significance.